The following is an entry in ClinVar:

ClinVar aggregate classification (germline): Uncertain significance. Review status: criteria provided, multiple submitters, no conflicts (2 of 4 stars). 2 submissions from 2 submitters: Uncertain significance (2). Last evaluated 2020-09-03.

Conditions:
Hereditary cancer-predisposing syndrome. Also called: Tumor predisposition; Hereditary neoplastic syndrome; Neoplastic Syndromes, Hereditary; Hereditary Cancer Syndrome. Identifiers: Orphanet 140162, MedGen C0027672, MeSH D009386, MONDO:0015356.
Breast-ovarian cancer, familial, susceptibility to, 4. Identifiers: Orphanet 145, MedGen C3280345, MONDO:0013669, OMIM 614291.

Submissions (2):

Ambry Genetics
Classification: Uncertain significance for Hereditary cancer-predisposing syndrome. Last evaluated: 2020-09-03. Review status: criteria provided, single submitter. Criteria: Ambry Variant Classification Scheme 2023. Collection method: clinical testing. Allele origin: germline.
Comment: The p.E162A variant (also known as c.485A>C), located in coding exon 6 of the RAD51D gene, results from an A to C substitution at nucleotide position 485. The glutamic acid at codon 162 is replaced by alanine, an amino acid with dissimilar properties. This amino acid position is poorly conserved in available vertebrate species. In addition, this alteration is predicted to be tolerated by in silico analysis. Since supporting evidence is limited at this time, the clinical significance of this alteration remains unclear.

Labcorp Genetics (formerly Invitae), Labcorp
Classification: Uncertain significance for Breast-ovarian cancer, familial, susceptibility to, 4. Last evaluated: 2019-11-10. Review status: criteria provided, single submitter. Criteria: Invitae Variant Classification Sherloc (09022015). Collection method: clinical testing. Allele origin: germline.
Comment: In summary, the available evidence is currently insufficient to determine the role of this variant in disease. Therefore, it has been classified as a Variant of Uncertain Significance. Algorithms developed to predict the effect of missense changes on protein structure and function (SIFT, PolyPhen-2, Align-GVGD) all suggest that this variant is likely to be tolerated, but these predictions have not been confirmed by published functional studies and their clinical significance is uncertain. This variant has not been reported in the literature in individuals with RAD51D-related conditions. This variant is not present in population databases (ExAC no frequency). This sequence change replaces glutamic acid with alanine at codon 162 of the RAD51D protein (p.Glu162Ala). The glutamic acid residue is weakly conserved and there is a moderate physicochemical difference between glutamic acid and alanine.

NM_002878.4(RAD51D):c.485A>C (p.Glu162Ala)

Genes: RAD51D (RAD51 paralog D; minus strand), RAD51L3-RFFL (RAD51L3-RFFL readthrough; minus strand). Cytogenetic location: 17q12.
Variant type: single nucleotide variant.
Coding change: c.485A>C on transcript NM_002878.4 (MANE Select); coding-DNA position 485, A replaced by C.
Protein change: p.Glu162Ala; replaces glutamic acid 162 with alanine.
Molecular consequence: missense variant. On other transcripts: non-coding transcript variant (3).
Genome position (GRCh38, 1-based): chr17:35,106,477, T>G on the plus strand (A>C on the coding strand, the complement: RAD51D is on the minus strand). VCF-style: chr17-35106477-T-G. GRCh37 (hg19) VCF-style: chr17-33433496-T-G.
Other names: c.545A>C, p.Glu182Ala (NM_001142571.2); c.149A>C, p.Glu50Ala (NM_133629.3); short protein forms E162A, E50A, E182A.
Identifiers: ClinVar variation 857442 (VCV000857442.9), dbSNP rs2091605338, ClinGen allele CA399089062.
Genomic context (GRCh38, chr17:35,106,477, plus strand): 5'-AGCACATCCAGCATCTGGAAGATGTCAAATGCATGCACCACCTGGATCCTCCGGAGAGCT[T>G]CTGCCTGAAGCGGTGGAAAAGAAAAGCAAGGACTTTGGATAAGAGGGAGTAGGGGGGTCA-3'
Protein context (NP_002869.3, residues 152-172): AKTQDEEEQA[Glu162Ala]ALRRIQVVHA